The following is an entry in ClinVar:

ClinVar aggregate classification (germline): Likely benign (0 of 4 stars; one submission).

Conditions:
PCNT-related disorder. Also called: PCNT-related condition.

gnomAD v4.1: 10 of 1,608,090 alleles (0.00062%); highest among the groups gnomAD compares: Admixed American, 0.0017%; no homozygotes.

Submission:

PreventionGenetics, part of Exact Sciences
Classification: Likely benign for PCNT-related condition. Last evaluated: 2022-01-25. Review status: no assertion criteria provided. Collection method: clinical testing. Allele origin: germline.
Comment: This variant is classified as likely benign based on ACMG/AMP sequence variant interpretation guidelines (Richards et al. 2015 PMID: 25741868, with internal and published modifications).

NM_006031.6(PCNT):c.834G>A (p.Thr278=)

Gene: PCNT (pericentrin; plus strand). Cytogenetic location: 21q22.3.
Variant type: single nucleotide variant.
Coding change: c.834G>A on transcript NM_006031.6 (MANE Select); coding-DNA position 834, G replaced by A.
Protein change: p.Thr278=; no amino-acid change (threonine 278 retained).
Molecular consequence: synonymous variant.
Genome position (GRCh38, 1-based): chr21:46,346,856, G>A. VCF-style: chr21-46346856-G-A. GRCh37 (hg19) VCF-style: chr21-47766770-G-A.
Other names: c.480G>A, p.Thr160= (NM_001315529.2).
Identifiers: ClinVar variation 3357880 (VCV003357880.1).